The following is an entry in ClinVar:

ClinVar aggregate classification (germline): Pathogenic (1 of 4 stars; one submission).

Conditions:
Usher syndrome type 2A. Also called: RETINAL DISEASE IN USHER SYNDROME TYPE IIA, MODIFIER OF; USHER SYNDROME, TYPE IIA. Identifiers: Orphanet 231178, Orphanet 886, MedGen C1848634, MONDO:0010169, OMIM 276901.

Submission:

Victorian Clinical Genetics Services, Murdoch Childrens Research Institute
Classification: Pathogenic for Usher syndrome type 2A. Last evaluated: 2024-10-11. Review status: criteria provided, single submitter. Criteria: ACMG Guidelines, 2015. Collection method: clinical testing. Allele origin: germline.
Comment: This variant is classified as Pathogenic. Evidence in support of pathogenic classification: Variant is predicted to cause nonsense-mediated decay (NMD) and loss of protein (premature termination codon is located at least 54 nucleotides upstream of the final exon-exon junction); Variant is absent from gnomAD (v2, v3 and v4); This variant has limited previous evidence of pathogenicity in an unrelated individual(s). This variant has been observed in an individual with Usher syndrome (PMID: 32675063); Other variant NMD-predicted variants comparable to the one identified in this case have very strong previous evidence for pathogenicity (DECIPHER). Additional information: This variant is heterozygous; This gene is associated with autosomal recessive disease; No published segregation evidence has been identified for this variant; No published functional evidence has been identified for this variant; Loss of function is a known mechanism of disease in this gene and is associated with Usher syndrome, type 2A (MIM#276901) and retinitis pigmentosa (RP; MIM# 6138093). Null variants are associated with Usher syndrome while homozygous missense which lead to partially functional proteins typically causes non-syndromic RP (PMID: 20301515).

Literature cited by the submitters: PubMed 32675063; PubMed 20301515.

NM_206933.4(USH2A):c.991dup (p.Arg331fs)

Gene: USH2A (usherin; minus strand). Cytogenetic location: 1q41.
Variant type: Duplication.
Coding change: c.991dup on transcript NM_206933.4 (MANE Select); coding-DNA position 991, one base duplicated (A; older notation c.991dupA).
Protein change: p.Arg331fs; shifts the reading frame from arginine 331.
Molecular consequence: frameshift variant.
Genome position (GRCh38, 1-based): chr1:216,325,457, T duplicated on the plus strand (A on the coding strand, the reverse complement: USH2A is on the minus strand). VCF-style (leftmost placement, unchanged base first): chr1-216325456-C-CT. GRCh37 (hg19) VCF-style: chr1-216498798-C-CT.
Other names: c.991dup, p.Arg331fs (NM_007123.6); short protein forms R331fs.
Identifiers: ClinVar variation 4531389 (VCV004531389.1).
Genomic context (GRCh38, chr1:216,325,456, plus strand): 5'-CCAACATCATTATCATTGACAAAAGAGAGAGGATGGGCTTCAGGATTCAACCGTGACACT[C>CT]TATTATCAGCTGTGTCTCCTGCATCATTAGGAATGCAGTACCGCTGTGCCAAAGGGTGGA-3'